The following is an entry in ClinVar:

NM_001134407.3(GRIN2A):c.3032G>A (p.Arg1011Gln)

Gene: GRIN2A (glutamate ionotropic receptor NMDA type subunit 2A; minus strand). Cytogenetic location: 16p13.2.
Variant type: single nucleotide variant.
Coding change: c.3032G>A on transcript NM_001134407.3 (MANE Select); coding-DNA position 3032, G replaced by A.
Protein change: p.Arg1011Gln; replaces arginine 1011 with glutamine.
Molecular consequence: missense variant.
Genome position (GRCh38, 1-based): chr16:9,764,512, C>T on the plus strand (G>A on the coding strand, the complement: GRIN2A is on the minus strand). VCF-style: chr16-9764512-C-T. GRCh37 (hg19) VCF-style: chr16-9858369-C-T.
Other names: c.3032G>A, p.Arg1011Gln (NM_000833.5, NM_001134408.2); short protein forms R1011Q.
Identifiers: ClinVar variation 546769 (VCV000546769.53), dbSNP rs1163766811, ClinGen allele CA394708816.

ClinVar aggregate classification (germline): Conflicting classifications of pathogenicity. Review status: criteria provided, conflicting classifications (1 of 4 stars). 3 submissions from 3 submitters: Uncertain significance (2); Likely benign (1). Last evaluated 2025-05-05.

Conditions:
Inborn genetic diseases. Identifiers: MedGen C0950123, MeSH D030342.
Landau-Kleffner syndrome (FESD). Also called: EPILEPSY, FOCAL, WITH SPEECH DISORDER AND WITH OR WITHOUT MENTAL RETARDATION; APHASIA, ACQUIRED, WITH EPILEPSY. Identifiers: Orphanet 1945, Orphanet 725, Orphanet 98818, MedGen C0282512, MONDO:0009509, OMIM 245570.

Allele frequency attached by ClinVar (database versions not stated): gnomAD exomes 0.00001 and below 0.00001; gnomAD 0.00001.
gnomAD v4.1: 9 of 1,613,912 alleles (0.00056%); highest among the groups gnomAD compares: African/African-American, 0.0013%; no homozygotes.

Submissions (3):

Labcorp Genetics (formerly Invitae), Labcorp
Classification: Likely benign for Landau-Kleffner syndrome. Last evaluated: 2025-05-05. Review status: criteria provided, single submitter. Criteria: Invitae Variant Classification Sherloc (09022015). Collection method: clinical testing. Allele origin: germline.

CeGaT Center for Human Genetics Tuebingen
Classification: Uncertain significance. Last evaluated: 2019-07-01. Review status: criteria provided, single submitter. Criteria: CeGaT Center For Human Genetics Tuebingen Variant Classification Criteria Version 2. Collection method: clinical testing. Allele origin: germline. Affected: yes. Observed: 3 variant alleles.

Ambry Genetics
Classification: Uncertain significance for Inborn genetic diseases. Last evaluated: 2017-01-18. Review status: criteria provided, single submitter. Criteria: Ambry Variant Classification Scheme 2023. Collection method: clinical testing. Allele origin: germline.
Comment: The p.R1011Q variant (also known as c.3032G>A), located in coding exon 12 of the GRIN2A gene, results from a G to A substitution at nucleotide position 3032. The arginine at codon 1011 is replaced by glutamine, an amino acid with highly similar properties. This amino acid position is highly conserved in available vertebrate species. In addition, the in silico prediction for this alteration is inconclusive. Since supporting evidence is limited at this time, the clinical significance of this variant remains unclear.